The following is an entry in ClinVar:

NM_002900.3(RBP3):c.1037G>A (p.Arg346His)

Gene: RBP3 (retinol binding protein 3; plus strand). Cytogenetic location: 10q11.22.
Variant type: single nucleotide variant.
Coding change: c.1037G>A on transcript NM_002900.3 (MANE Select); coding-DNA position 1037, G replaced by A.
Protein change: p.Arg346His; replaces arginine 346 with histidine.
Molecular consequence: missense variant.
Genome position (GRCh38, 1-based): chr10:47,349,521, G>A. VCF-style: chr10-47349521-G-A. GRCh37 (hg19) VCF-style: chr10-48389841-C-T.
Other names: short protein forms R346H.
Identifiers: ClinVar variation 208300 (VCV000208300.43), dbSNP rs111245635, ClinGen allele CA350983.

ClinVar aggregate classification (germline): Benign. Review status: criteria provided, multiple submitters, no conflicts (2 of 4 stars). 8 submissions from 8 submitters: Benign (5). 3 of the submissions do not count toward it. Last evaluated 2026-01-27.

Conditions:
Retinitis pigmentosa 66 (RP66). Identifiers: Orphanet 791, MedGen C3715216, MONDO:0014093, OMIM 615233.
Retinitis pigmentosa (RP). Identifiers: Orphanet 791, MedGen C0035334, MeSH D012174, MONDO:0019200, OMIM 268000. Inheritance: Autosomal dominant, autosomal recessive and X linked inheritance.

Allele frequency attached by ClinVar (database versions not stated): gnomAD exomes 0.00735; ExAC 0.00740; gnomAD 0.00769 and 0.00786; TOPMed 0.00776; ESP Exome Variant Server 0.00900; 1000 Genomes Project 30x 0.00203; 1000 Genomes Project 0.00220.
gnomAD v4.1: 19,738 of 1,612,944 alleles (1.2%); highest among the groups gnomAD compares: Non-Finnish European, 1.5%; 147 homozygotes.

Submissions (8):

Labcorp Genetics (formerly Invitae), Labcorp
Classification: Benign. Last evaluated: 2026-01-27. Review status: criteria provided, single submitter. Criteria: Invitae Variant Classification Sherloc (09022015). Collection method: clinical testing. Allele origin: germline.

CeGaT Center for Human Genetics Tuebingen
Classification: Benign. Last evaluated: 2024-04-01. Review status: criteria provided, single submitter. Criteria: CeGaT Center For Human Genetics Tuebingen Variant Classification Criteria Version 2. Collection method: clinical testing. Allele origin: germline. Affected: yes. Observed: 2 variant alleles.
Comment: RBP3: BS1, BS2

Mendelics
Classification: Benign. Last evaluated: 2022-05-04. Review status: criteria provided, single submitter. Criteria: Mendelics Assertion Criteria 2019. Collection method: clinical testing. Allele origin: germline.

Illumina Laboratory Services, Illumina
Classification: Benign for Retinitis pigmentosa. Last evaluated: 2017-04-27. Review status: criteria provided, single submitter. Criteria: ICSL Variant Classification Criteria 13 December 2019. Collection method: clinical testing. Allele origin: germline.
Comment: This variant was observed as part of a predisposition screen in an ostensibly healthy population. A literature search was performed for the gene, cDNA change, and amino acid change (where applicable). Publications were found based on this search. The evidence from the literature, in combination with allele frequency data from public databases where available, was sufficient to rule this variant out of causing disease. Therefore, this variant is classified as benign.

Breakthrough Genomics
Classification: Benign. Review status: criteria provided, single submitter. Criteria: ACMG Guidelines, 2015. Collection method: not provided. Allele origin: germline. Inheritance: Autosomal recessive inheritance. Affected: yes.

ClinVar Staff, National Center for Biotechnology Information (NCBI)
Classification: Uncertain significance for Retinitis pigmentosa 66. Last evaluated: 2013-06-27. Review status: no assertion criteria provided. Collection method: literature only. Allele origin: germline. Affected: yes. Not counted in ClinVar's aggregate classification.

Clinical Genetics DNA and cytogenetics Diagnostics Lab, Erasmus MC, Erasmus Medical Center
Classification: Likely benign. Review status: no assertion criteria provided. Collection method: clinical testing. Allele origin: germline. Affected: yes. Study: VKGL Data-share Consensus. Not counted in ClinVar's aggregate classification.

Joint Genome Diagnostic Labs from Nijmegen and Maastricht, Radboudumc and MUMC+
Classification: Benign. Review status: no assertion criteria provided. Collection method: clinical testing. Allele origin: germline. Affected: yes. Study: VKGL Data-share Consensus. Not counted in ClinVar's aggregate classification.

Literature cited by the submitters: PubMed 21067480 (cited by Illumina Laboratory Services, Illumina); PubMed 19074801 (cited by Illumina Laboratory Services, Illumina and ClinVar Staff, National Center for Biotechnology Information (NCBI)).